The following is an entry in ClinVar:

NM_003998.4(NFKB1):c.1544A>G (p.Asn515Ser)

Gene: NFKB1 (nuclear factor kappa B subunit 1; plus strand). Cytogenetic location: 4q24.
Variant type: single nucleotide variant.
Coding change: c.1544A>G on transcript NM_003998.4 (MANE Select); coding-DNA position 1544, A replaced by G.
Protein change: p.Asn515Ser; replaces asparagine 515 with serine.
Molecular consequence: missense variant.
Genome position (GRCh38, 1-based): chr4:102,597,568, A>G. VCF-style: chr4-102597568-A-G. GRCh37 (hg19) VCF-style: chr4-103518725-A-G.
Other names: c.1541A>G, p.Asn514Ser (NM_001165412.2, NM_001319226.2, NM_001382627.1); c.1544A>G, p.Asn515Ser (NM_001382625.1, NM_001382626.1); c.1502A>G, p.Asn501Ser (NM_001382628.1); short protein forms N501S, N514S, N515S.
Identifiers: ClinVar variation 1306765 (VCV001306765.5), dbSNP rs777364800, ClinGen allele CA3026195.

ClinVar aggregate classification (germline): Uncertain significance. Review status: criteria provided, multiple submitters, no conflicts (2 of 4 stars). 2 submissions from 2 submitters: Uncertain significance (2). Last evaluated 2023-10-04.

Allele frequency attached by ClinVar (database versions not stated): ExAC 0.00001; gnomAD exomes 0.00001.
gnomAD v4.1: 18 of 1,613,812 alleles (0.0011%); highest among the groups gnomAD compares: Non-Finnish European, 0.0015%; no homozygotes.

Submissions (2):

Labcorp Genetics (formerly Invitae), Labcorp
Classification: Uncertain significance. Last evaluated: 2023-10-04. Review status: criteria provided, single submitter. Criteria: Invitae Variant Classification Sherloc (09022015). Collection method: clinical testing. Allele origin: germline.
Comment: This sequence change replaces asparagine, which is neutral and polar, with serine, which is neutral and polar, at codon 515 of the NFKB1 protein (p.Asn515Ser). This variant is present in population databases (rs777364800, gnomAD 0.003%). This variant has not been reported in the literature in individuals affected with NFKB1-related conditions. ClinVar contains an entry for this variant (Variation ID: 1306765). Advanced modeling of protein sequence and biophysical properties (such as structural, functional, and spatial information, amino acid conservation, physicochemical variation, residue mobility, and thermodynamic stability) performed at Invitae indicates that this missense variant is not expected to disrupt NFKB1 protein function. In summary, the available evidence is currently insufficient to determine the role of this variant in disease. Therefore, it has been classified as a Variant of Uncertain Significance.

GeneDx
Classification: Uncertain significance. Last evaluated: 2019-07-01. Review status: criteria provided, single submitter. Criteria: GeneDx Variant Classification Process June 2021. Collection method: clinical testing. Allele origin: germline. Affected: yes.
Comment: Not observed at a significant frequency in large population cohorts (Lek et al., 2016); In silico analysis, which includes protein predictors and evolutionary conservation, supports that this variant does not alter protein structure/function; Has not been previously published as pathogenic or benign to our knowledge